The following is an entry in ClinVar:

ClinVar aggregate classification (germline): Likely benign (1 of 4 stars; one submission).

Allele frequency attached by ClinVar (database versions not stated): TOPMed 0.00014; ExAC 0.00017; ESP Exome Variant Server 0.00031.
gnomAD v4.1: 279 of 1,612,786 alleles (0.017%); highest among the groups gnomAD compares: Middle Eastern, 0.25%; no homozygotes.

Submission:

CeGaT Center for Human Genetics Tuebingen
Classification: Likely benign. Last evaluated: 2022-04-01. Review status: criteria provided, single submitter. Criteria: CeGaT Center For Human Genetics Tuebingen Variant Classification Criteria Version 2. Collection method: clinical testing. Allele origin: germline. Affected: yes. Observed: 1 variant allele.
Comment: EPPK1: BP4, BP7

NM_031308.4(EPPK1):c.6123T>C (p.Tyr2041=)

Gene: EPPK1 (epiplakin 1; minus strand). Cytogenetic location: 8q24.3.
Variant type: single nucleotide variant.
Coding change: c.6123T>C on transcript NM_031308.4 (MANE Select); coding-DNA position 6123, T replaced by C.
Protein change: p.Tyr2041=; no amino-acid change (tyrosine 2041 retained).
Molecular consequence: synonymous variant.
Genome position (GRCh38, 1-based): chr8:143,867,131, A>G on the plus strand (T>C on the coding strand, the complement: EPPK1 is on the minus strand). VCF-style: chr8-143867131-A-G. GRCh37 (hg19) VCF-style: chr8-144941299-A-G.
Identifiers: ClinVar variation 2658926 (VCV002658926.24), dbSNP rs368863679, ClinGen allele CA4921911.